The following is an entry in ClinVar:

NC_000023.11:g.101397726C>T

Genes: GLA (galactosidase alpha; minus strand), RPL36A-HNRNPH2 (RPL36A-HNRNPH2 readthrough; plus strand). Cytogenetic location: Xq22.1.
Variant type: single nucleotide variant.
Molecular consequence: intron variant (on NM_001199973.2).
Genome position: GRCh38 VCF-style: chrX-101397726-C-T. GRCh37 (hg19) VCF-style: chrX-100652714-C-T.
Other names: c.300+2269C>T (NM_001199973.2); c.177+5904C>T (NM_001199974.2).
Identifiers: ClinVar variation 5000895 (VCV005000895.1).

ClinVar aggregate classification (germline): Likely benign (1 of 4 stars; one submission).

Conditions:
GLA-related disorder. Also called: GLA-related condition.

Submission:

PreventionGenetics, part of Exact Sciences
Classification: Likely benign for GLA-related condition. Last evaluated: 2025-09-27. Review status: criteria provided, single submitter. Criteria: ACMG Guidelines, 2015. Collection method: clinical testing. Allele origin: germline.
Comment: This variant is classified as likely benign based on ACMG/AMP sequence variant interpretation guidelines (Richards et al. 2015 PMID: 25741868, with internal and published modifications).